The following is an entry in ClinVar:

ClinVar aggregate classification (germline): Likely pathogenic (1 of 4 stars; one submission).

Conditions:
Hereditary cancer-predisposing syndrome. Also called: Neoplastic Syndromes, Hereditary; Tumor predisposition; Hereditary Cancer Syndrome; Hereditary neoplastic syndrome. Identifiers: Orphanet 140162, MedGen C0027672, MeSH D009386, MONDO:0015356.

Submission:

Ambry Genetics
Classification: Likely pathogenic for Hereditary cancer-predisposing syndrome. Last evaluated: 2026-06-09. Review status: criteria provided, single submitter. Criteria: Ambry Variant Classification Scheme 2023. Collection method: clinical testing. Allele origin: germline.
Comment: The c.7307dupT variant, located in coding exon 15 of the APC gene, results from a duplication of T at nucleotide position 7307, causing a translational frameshift with a predicted alternate stop codon (p.L2437Ifs*27). This variant occurs at the 3' terminus of the gene, is not expected to trigger nonsense-mediated mRNA decay, and impacts the last 14% of the protein. However, premature stop codons are typically deleterious in nature and a significant portion of the protein is affected and the impacted region is critical for protein function (Ambry internal data). This variant is considered to be rare based on population cohorts in the Genome Aggregation Database (gnomAD). Based on the majority of available evidence to date, this variant is likely to be pathogenic.

NM_000038.6(APC):c.7307dup (p.Leu2437fs)

Gene: APC (APC regulator of Wnt signaling pathway; plus strand). Cytogenetic location: 5q22.2.
Variant type: Duplication.
Coding change: c.7307dup on transcript NM_000038.6 (MANE Select); coding-DNA position 7307, one base duplicated (T; older notation c.7307dupT).
Protein change: p.Leu2437fs; shifts the reading frame from leucine 2437.
Molecular consequence: frameshift variant. On other transcripts: non-coding transcript variant (2).
Genome position (GRCh38, 1-based): chr5:112,842,901, T duplicated. VCF-style (leftmost placement, unchanged base first): chr5-112842900-G-GT. GRCh37 (hg19) VCF-style: chr5-112178597-G-GT.
Other names: c.7307dup, p.Leu2437fs (NM_001127510.3, NM_001354895.2, NM_001407450.1); c.7253dup, p.Leu2419fs (NM_001127511.3); c.7361dup, p.Leu2455fs (NM_001354896.2, NM_001407447.1, NM_001407448.1 and 1 more transcripts); c.7337dup, p.Leu2447fs (NM_001354897.2); c.7232dup, p.Leu2412fs (NM_001354898.2); c.7223dup, p.Leu2409fs (NM_001354899.2); c.7184dup, p.Leu2396fs (NM_001354900.2); c.7130dup, p.Leu2378fs (NM_001354901.2, NM_001407453.1); and 11 more; short protein forms L2053fs, L2154fs, L2277fs, L2308fs, L2311fs, L2336fs, L2346fs, L2354fs.
Identifiers: ClinVar variation 4862008 (VCV004862008.1).
Genomic context (GRCh38, chr5:112,842,900, plus strand): 5'-CTTTCTAGAATGTCTTCAACTAAATCAAGTGGAAGTGAATCTGATAGATCAGAAAGACCT[G>GT]TATTAGTACGCCAGTCAACTTTCATCAAAGAAGCTCCAAGCCCAACCTTAAGAAGAAAAT-3'